The following is an entry in ClinVar:

ClinVar aggregate classification (germline): Uncertain significance (1 of 4 stars; one submission).

Conditions:
Hereditary cancer-predisposing syndrome. Also called: Hereditary Cancer Syndrome; Neoplastic Syndromes, Hereditary; Tumor predisposition; Hereditary neoplastic syndrome. Identifiers: Orphanet 140162, MedGen C0027672, MeSH D009386, MONDO:0015356.

Submission:

Ambry Genetics
Classification: Uncertain significance for Hereditary cancer-predisposing syndrome. Last evaluated: 2022-04-05. Review status: criteria provided, single submitter. Criteria: Ambry Variant Classification Scheme 2023. Collection method: clinical testing. Allele origin: germline.
Comment: The p.S171T variant (also known as c.511T>A), located in coding exon 1 of the HOXB13 gene, results from a T to A substitution at nucleotide position 511. The serine at codon 171 is replaced by threonine, an amino acid with similar properties. This amino acid position is conserved. In addition, this alteration is predicted to be tolerated by in silico analysis. Since supporting evidence is limited at this time, the clinical significance of this alteration remains unclear.

NM_006361.6(HOXB13):c.511T>A (p.Ser171Thr)

Gene: HOXB13 (homeobox B13; minus strand). Cytogenetic location: 17q21.32.
Variant type: single nucleotide variant.
Coding change: c.511T>A on transcript NM_006361.6 (MANE Select); coding-DNA position 511, T replaced by A.
Protein change: p.Ser171Thr; replaces serine 171 with threonine.
Molecular consequence: missense variant.
Genome position (GRCh38, 1-based): chr17:48,728,083, A>T on the plus strand (T>A on the coding strand, the complement: HOXB13 is on the minus strand). VCF-style: chr17-48728083-A-T. GRCh37 (hg19) VCF-style: chr17-46805445-A-T.
Other names: short protein forms S171T.
Identifiers: ClinVar variation 1745473 (VCV001745473.2), dbSNP rs1360003941, ClinGen allele CA400107299.